The following is an entry in ClinVar:

NM_000400.4(ERCC2):c.1187C>T (p.Pro396Leu)

Gene: ERCC2 (ERCC excision repair 2, TFIIH core complex helicase subunit; minus strand). Cytogenetic location: 19q13.32.
Variant type: single nucleotide variant.
Coding change: c.1187C>T on transcript NM_000400.4 (MANE Select); coding-DNA position 1187, C replaced by T.
Protein change: p.Pro396Leu; replaces proline 396 with leucine.
Molecular consequence: missense variant.
Genome position (GRCh38, 1-based): chr19:45,361,574, G>A on the plus strand (C>T on the coding strand, the complement: ERCC2 is on the minus strand). VCF-style: chr19-45361574-G-A. GRCh37 (hg19) VCF-style: chr19-45864832-G-A.
Other names: c.1115C>T, p.Pro372Leu (NM_001130867.2); short protein forms P372L, P396L.
Identifiers: ClinVar variation 1425609 (VCV001425609.8), dbSNP rs778436682, ClinGen allele CA9513479.

ClinVar aggregate classification (germline): Uncertain significance. Review status: criteria provided, multiple submitters, no conflicts (2 of 4 stars). 2 submissions from 2 submitters: Uncertain significance (2). Last evaluated 2024-12-11.

Conditions:
Inborn genetic diseases. Identifiers: MedGen C0950123, MeSH D030342.

Allele frequency attached by ClinVar (database versions not stated): gnomAD exomes 0.00002 and 0.00003; gnomAD 0.00003 and 0.00004; TOPMed 0.00003; ExAC 0.00007.
gnomAD v4.1: 44 of 1,613,916 alleles (0.0027%); highest among the groups gnomAD compares: Admixed American, 0.0033%; no homozygotes.

Submissions (2):

Ambry Genetics
Classification: Uncertain significance for Inborn genetic diseases. Last evaluated: 2024-12-11. Review status: criteria provided, single submitter. Criteria: Ambry Variant Classification Scheme 2023. Collection method: clinical testing. Allele origin: germline.
Comment: The c.1187C>T (p.P396L) alteration is located in exon 12 (coding exon 12) of the ERCC2 gene. This alteration results from a C to T substitution at nucleotide position 1187, causing the proline (P) at amino acid position 396 to be replaced by a leucine (L). Based on data from gnomAD, the T allele has an overall frequency of 0.003% (7/251442) total alleles studied. The highest observed frequency was 0.005% (1/18394) of East Asian alleles. This amino acid position is well conserved in available vertebrate species. The in silico prediction for this alteration is inconclusive. Based on insufficient or conflicting evidence, the clinical significance of this alteration remains unclear.

Labcorp Genetics (formerly Invitae), Labcorp
Classification: Uncertain significance. Last evaluated: 2021-08-24. Review status: criteria provided, single submitter. Criteria: Invitae Variant Classification Sherloc (09022015). Collection method: clinical testing. Allele origin: germline.
Comment: This sequence change replaces proline with leucine at codon 396 of the ERCC2 protein (p.Pro396Leu). The proline residue is moderately conserved and there is a moderate physicochemical difference between proline and leucine. This variant is present in population databases (rs778436682, ExAC 0.02%). This variant has not been reported in the literature in individuals affected with ERCC2-related conditions. Algorithms developed to predict the effect of missense changes on protein structure and function are either unavailable or do not agree on the potential impact of this missense change (SIFT: "Deleterious"; PolyPhen-2: "Possibly Damaging"; Align-GVGD: "Class C0"). In summary, the available evidence is currently insufficient to determine the role of this variant in disease. Therefore, it has been classified as a Variant of Uncertain Significance.

Literature cited by the submitters: PubMed 11443545 (cited by Ambry Genetics).